The following is an entry in ClinVar:

ClinVar aggregate classification (germline): Uncertain significance. Review status: criteria provided, multiple submitters, no conflicts (2 of 4 stars). 2 submissions from 2 submitters: Uncertain significance (2). Last evaluated 2025-09-01.

Conditions:
Inborn genetic diseases. Identifiers: MedGen C0950123, MeSH D030342.
Ellis-van Creveld syndrome (EVC). Also called: EVC-Related Ellis-van Creveld Syndrome; EVC2-Related Ellis-van Creveld Syndrome; MESOECTODERMAL DYSPLASIA; Chondroectodermal dysplasia. Identifiers: Orphanet 289, MedGen C0013903, MONDO:0009162, OMIM 225500.
Curry-Hall syndrome (WAD). Also called: WEYERS ACRODENTAL DYSOSTOSIS. Identifiers: Orphanet 952, MedGen C0457013, MONDO:0008673, OMIM 193530.

gnomAD v4.1: 3 of 1,614,118 alleles (0.00019%); highest among the groups gnomAD compares: Non-Finnish European, 0.00025%; no homozygotes.

Submissions (2):

Ambry Genetics
Classification: Uncertain significance for Inborn genetic diseases. Last evaluated: 2025-09-01. Review status: criteria provided, single submitter. Criteria: Ambry Variant Classification Scheme 2023. Collection method: clinical testing. Allele origin: germline.

Labcorp Genetics (formerly Invitae), Labcorp
Classification: Uncertain significance for Curry-Hall syndrome; Ellis-van Creveld syndrome. Last evaluated: 2025-01-06. Review status: criteria provided, single submitter. Criteria: Invitae Variant Classification Sherloc (09022015). Collection method: clinical testing. Allele origin: germline.
Comment: This sequence change replaces leucine, which is neutral and non-polar, with arginine, which is basic and polar, at codon 1102 of the EVC2 protein (p.Leu1102Arg). This variant is not present in population databases (gnomAD no frequency). This variant has not been reported in the literature in individuals affected with EVC2-related conditions. An algorithm developed to predict the effect of missense changes on protein structure and function (PolyPhen-2) suggests that this variant is likely to be disruptive. In summary, the available evidence is currently insufficient to determine the role of this variant in disease. Therefore, it has been classified as a Variant of Uncertain Significance.

NM_147127.5(EVC2):c.3305T>G (p.Leu1102Arg)

Gene: EVC2 (EvC ciliary complex subunit 2; minus strand). Cytogenetic location: 4p16.2.
Variant type: single nucleotide variant.
Coding change: c.3305T>G on transcript NM_147127.5 (MANE Select); coding-DNA position 3305, T replaced by G.
Protein change: p.Leu1102Arg; replaces leucine 1102 with arginine.
Molecular consequence: missense variant.
Genome position (GRCh38, 1-based): chr4:5,574,740, A>C on the plus strand (T>G on the coding strand, the complement: EVC2 is on the minus strand). VCF-style: chr4-5574740-A-C. GRCh37 (hg19) VCF-style: chr4-5576467-A-C.
Other names: c.3065T>G, p.Leu1022Arg (NM_001166136.2); c.3305T>G (NM_147127.4); short protein forms L1022R, L1102R.
Identifiers: ClinVar variation 3750913 (VCV003750913.3).